The following is an entry in ClinVar:

NM_001330078.2(NRXN1):c.2817T>G (p.Asp939Glu)

Gene: NRXN1 (neurexin 1; minus strand). Cytogenetic location: 2p16.3.
Variant type: single nucleotide variant.
Coding change: c.2817T>G on transcript NM_001330078.2 (MANE Select); coding-DNA position 2817, T replaced by G.
Protein change: p.Asp939Glu; replaces aspartic acid 939 with glutamic acid.
Molecular consequence: missense variant.
Genome position (GRCh38, 1-based): chr2:50,497,395, A>C on the plus strand (T>G on the coding strand, the complement: NRXN1 is on the minus strand). VCF-style: chr2-50497395-A-C. GRCh37 (hg19) VCF-style: chr2-50724533-A-C.
Other names: c.2937T>G, p.Asp979Glu (NM_001135659.3); c.2793T>G, p.Asp931Glu (NM_001330077.2, NM_001330082.2); c.2751T>G, p.Asp917Glu (NM_001330083.2, NM_001330084.2); c.2790T>G, p.Asp930Glu (NM_001330085.2); c.2817T>G, p.Asp939Glu (NM_001330086.2, NM_004801.6); c.2706T>G, p.Asp902Glu (NM_001330087.2, NM_001330096.2); c.2736T>G, p.Asp912Glu (NM_001330088.2); c.2814T>G, p.Asp938Glu (NM_001330093.2); and 2 more; short protein forms D930E, D939E, D979E, D912E, D922E, D935E, D938E, D931E.
Identifiers: ClinVar variation 3202231 (VCV003202231.3), dbSNP rs370314907, ClinGen allele CA1654730.
Genomic context (GRCh38, chr2:50,497,395, plus strand): 5'-TTTAACTAATTCAACCACAATAAAGTCATTTCCATCCCCACTGTTATATAGAATTAATCC[A>C]TCTAGGGATGTTGTCTTGAACTGGAAAAAAAGATGCATAGAAGTGTAGGCTTGCAAGGTA-3'
Protein context (NP_001317007.1, residues 929-949): LFFQFKTTSL[Asp939Glu]GLILYNSGDG

ClinVar aggregate classification (germline): Uncertain significance. Review status: criteria provided, multiple submitters, no conflicts (2 of 4 stars). 2 submissions from 2 submitters: Uncertain significance (2). Last evaluated 2024-09-09.

Conditions:
Pitt-Hopkins-like syndrome 2 (PTHSL2). Identifiers: Orphanet 221150, Orphanet 600663, MedGen C3280479, MONDO:0013690, OMIM 614325.
Inborn genetic diseases. Identifiers: MedGen C0950123, MeSH D030342.

Allele frequency attached by ClinVar (database versions not stated): ExAC 0.00001.
gnomAD v4.1: 3 of 1,596,762 alleles (0.00019%); highest among the groups gnomAD compares: African/African-American, 0.004%; no homozygotes.

Submissions (2):

Labcorp Genetics (formerly Invitae), Labcorp
Classification: Uncertain significance for Pitt-Hopkins-like syndrome 2. Last evaluated: 2024-09-09. Review status: criteria provided, single submitter. Criteria: Invitae Variant Classification Sherloc (09022015). Collection method: clinical testing. Allele origin: germline.
Comment: This sequence change replaces aspartic acid, which is acidic and polar, with glutamic acid, which is acidic and polar, at codon 979 of the NRXN1 protein (p.Asp979Glu). This variant is present in population databases (rs370314907, gnomAD 0.007%). This variant has not been reported in the literature in individuals affected with NRXN1-related conditions. An algorithm developed to predict the effect of missense changes on protein structure and function (PolyPhen-2) suggests that this variant is likely to be disruptive. In summary, the available evidence is currently insufficient to determine the role of this variant in disease. Therefore, it has been classified as a Variant of Uncertain Significance.

Ambry Genetics
Classification: Uncertain significance for Inborn genetic diseases. Last evaluated: 2024-01-23. Review status: criteria provided, single submitter. Criteria: Ambry Variant Classification Scheme 2023. Collection method: clinical testing. Allele origin: germline.